The following is an entry in ClinVar:

ClinVar aggregate classification (germline): Pathogenic (1 of 4 stars; one submission).

Conditions:
Hyper-IgM syndrome type 1. Also called: Hyper-IgM Immunodeficiency Syndrome, Type 1; X-linked hyper-IgM syndrome; Immunodeficiency, X-linked, with hyper-IgM; CD40 Ligand Deficiency. Identifiers: Orphanet 101088, MedGen C0398689, MONDO:0010626, OMIM 308230.

Submission:

Labcorp Genetics (formerly Invitae), Labcorp
Classification: Pathogenic for Hyper-IgM syndrome type 1. Last evaluated: 2020-01-31. Review status: criteria provided, single submitter. Criteria: Invitae Variant Classification Sherloc (09022015). Collection method: clinical testing. Allele origin: germline.
Comment: For these reasons, this variant has been classified as Pathogenic. This variant disrupts the C-terminus of the CD40LG protein. Other variant(s) that disrupt this region (p.Gln232*) have been determined to be pathogenic (PMID: 8550833, 18805740). This suggests that variants that disrupt this region of the protein are likely to be causative of disease. This variant has not been reported in the literature in individuals with CD40LG-related conditions. This variant is not present in population databases (ExAC no frequency). This sequence change results in a premature translational stop signal in the CD40LG gene (p.Thr134Lysfs*15). While this is not anticipated to result in nonsense mediated decay, it is expected to disrupt the last 128 amino acids of the CD40LG protein.

Literature cited by the submitters: PubMed 8550833; PubMed 18805740.

NM_000074.3(CD40LG):c.401del (p.Thr134fs)

Gene: CD40LG (CD40 ligand; plus strand). Cytogenetic location: Xq26.3.
Variant type: Deletion.
Coding change: c.401del on transcript NM_000074.3 (MANE Select); coding-DNA position 401, one base deleted (C; older notation c.401delC).
Protein change: p.Thr134fs; shifts the reading frame from threonine 134.
Molecular consequence: frameshift variant.
Genome position (GRCh38, 1-based): chrX:136,656,410, C deleted. VCF-style (leftmost placement, unchanged base first): chrX-136656409-AC-A. GRCh37 (hg19) VCF-style: chrX-135738568-AC-A.
Other names: short protein forms T134fs.
Identifiers: ClinVar variation 863227 (VCV000863227.10), dbSNP rs2076119189, ClinGen allele CA916081278.